The following is an entry in ClinVar:

ClinVar aggregate classification (germline): Likely benign. Review status: criteria provided, multiple submitters, no conflicts (2 of 4 stars). 3 submissions from 3 submitters: Likely benign (2). 1 of the submissions does not count toward it. Last evaluated 2024-07-23.

Conditions:
Hereditary cancer-predisposing syndrome. Also called: Tumor predisposition; Hereditary Cancer Syndrome; Neoplastic Syndromes, Hereditary; Hereditary neoplastic syndrome. Identifiers: Orphanet 140162, MedGen C0027672, MeSH D009386, MONDO:0015356.
PTCH1-related disorder. Also called: PTCH1-related disorders; PTCH1-related condition.
Gorlin syndrome. Also called: Basal cell nevus syndrome; Nevoid Basal Cell Carcinoma Syndrome. Identifiers: Orphanet 377, MedGen C0004779, MONDO:0007187.

Allele frequency attached by ClinVar (database versions not stated): TOPMed below 0.00001.

Submissions (3):

Labcorp Genetics (formerly Invitae), Labcorp
Classification: Likely benign for Gorlin syndrome. Last evaluated: 2024-07-23. Review status: criteria provided, single submitter. Criteria: Invitae Variant Classification Sherloc (09022015). Collection method: clinical testing. Allele origin: germline.

Ambry Genetics
Classification: Likely benign for Hereditary cancer-predisposing syndrome. Last evaluated: 2019-10-10. Review status: criteria provided, single submitter. Criteria: Ambry Variant Classification Scheme 2023. Collection method: clinical testing. Allele origin: germline.

PreventionGenetics, part of Exact Sciences
Classification: Likely benign for PTCH1-related condition. Last evaluated: 2021-11-09. Review status: no assertion criteria provided. Collection method: clinical testing. Allele origin: germline. Not counted in ClinVar's aggregate classification.
Comment: This variant is classified as likely benign based on ACMG/AMP sequence variant interpretation guidelines (Richards et al. 2015 PMID: 25741868, with internal and published modifications).

NM_000264.5(PTCH1):c.2229C>T (p.Phe743=)

Genes: PTCH1 (patched 1; minus strand), LOC100507346 (uncharacterized LOC100507346; plus strand). Cytogenetic location: 9q22.32.
Variant type: single nucleotide variant.
Coding change: c.2229C>T on transcript NM_000264.5 (MANE Select); coding-DNA position 2229, C replaced by T.
Protein change: p.Phe743=; no amino-acid change (phenylalanine 743 retained).
Molecular consequence: synonymous variant. On other transcripts: non-coding transcript variant (2).
Genome position (GRCh38, 1-based): chr9:95,468,772, G>A on the plus strand (C>T on the coding strand, the complement: PTCH1 is on the minus strand). VCF-style: chr9-95468772-G-A. GRCh37 (hg19) VCF-style: chr9-98231054-G-A.
Other names: c.2031C>T, p.Phe677= (NM_001083602.3); c.2226C>T, p.Phe742= (NM_001083603.3); c.1776C>T, p.Phe592= (NM_001083604.3, NM_001083605.3, NM_001083606.3 and 1 more transcripts); c.2073C>T, p.Phe691= (NM_001354918.2).
Identifiers: ClinVar variation 750507 (VCV000750507.17), dbSNP rs1009657162, ClinGen allele CA196586611.